The following is an entry in ClinVar:

NM_006514.4(SCN10A):c.3757C>T (p.Arg1253Cys)

Gene: SCN10A (sodium voltage-gated channel alpha subunit 10; minus strand). Cytogenetic location: 3p22.2.
Variant type: single nucleotide variant.
Coding change: c.3757C>T on transcript NM_006514.4 (MANE Select); coding-DNA position 3757, C replaced by T.
Protein change: p.Arg1253Cys; replaces arginine 1253 with cysteine.
Molecular consequence: missense variant.
Genome position (GRCh38, 1-based): chr3:38,714,005, G>A on the plus strand (C>T on the coding strand, the complement: SCN10A is on the minus strand). VCF-style: chr3-38714005-G-A. GRCh37 (hg19) VCF-style: chr3-38755496-G-A.
Other names: c.3754C>T, p.Arg1252Cys (NM_001293306.2); c.3463C>T, p.Arg1155Cys (NM_001293307.2); short protein forms R1155C, R1253C, R1252C.
Identifiers: ClinVar variation 944618 (VCV000944618.11), dbSNP rs145909172, ClinGen allele CA2320131.

ClinVar aggregate classification (germline): Conflicting classifications of pathogenicity. Review status: criteria provided, conflicting classifications (1 of 4 stars). 4 submissions from 4 submitters: Uncertain significance (3); Likely benign (1). Last evaluated 2026-08-01.

Conditions:
SCN10A-related disorder. Also called: SCN10A-related condition.
Brugada syndrome. Also called: Sudden Unexplained Death Syndrome; Sudden Unexplained Nocturnal Death Syndrome (SUNDS); Sudden unexpected nocturnal death syndrome; Sudden unexplained nocturnal death syndrome. Identifiers: Orphanet 130, MedGen C1142166, MONDO:0015263.
Cardiovascular phenotype. Identifiers: MedGen CN230736.

Allele frequency attached by ClinVar (database versions not stated): TOPMed 0.00005; gnomAD exomes 0.00011.

Submissions (4):

CeGaT Center for Human Genetics Tuebingen
Classification: Likely benign. Last evaluated: 2026-08-01. Review status: criteria provided, single submitter. Criteria: CeGaT Center For Human Genetics Tuebingen Variant Classification Criteria Version 2. Collection method: clinical testing. Allele origin: germline. Affected: yes. Observed: 1 variant allele.
Comment: SCN10A: BS1

PreventionGenetics, part of Exact Sciences
Classification: Uncertain significance for SCN10A-related condition. Last evaluated: 2026-06-12. Review status: criteria provided, single submitter. Criteria: ACMG Guidelines, 2015. Collection method: clinical testing. Allele origin: germline.
Comment: The SCN10A c.3757C>T variant is predicted to result in the amino acid substitution p.Arg1253Cys. To our knowledge, this variant has not been reported in the literature. This variant is reported in 0.011% of alleles in individuals of Latino descent in gnomAD. At this time, the clinical significance of this variant is uncertain due to the absence of conclusive functional and genetic evidence.

Labcorp Genetics (formerly Invitae), Labcorp
Classification: Uncertain significance for Brugada syndrome. Last evaluated: 2026-01-16. Review status: criteria provided, single submitter. Criteria: Invitae Variant Classification Sherloc (09022015). Collection method: clinical testing. Allele origin: germline.
Comment: This sequence change replaces arginine, which is basic and polar, with cysteine, which is neutral and slightly polar, at codon 1253 of the SCN10A protein (p.Arg1253Cys). This variant is present in population databases (rs145909172, gnomAD 0.009%). This variant has not been reported in the literature in individuals affected with SCN10A-related conditions. ClinVar contains an entry for this variant (Variation ID: 944618). Invitae Evidence Modeling of protein sequence and biophysical properties (such as structural, functional, and spatial information, amino acid conservation, physicochemical variation, residue mobility, and thermodynamic stability) indicates that this missense variant is expected to disrupt SCN10A protein function with a positive predictive value of 80%. In summary, the available evidence is currently insufficient to determine the role of this variant in disease. Therefore, it has been classified as a Variant of Uncertain Significance.

Ambry Genetics
Classification: Uncertain significance for Cardiovascular phenotype. Last evaluated: 2025-06-09. Review status: criteria provided, single submitter. Criteria: Ambry Variant Classification Scheme 2023. Collection method: clinical testing. Allele origin: germline.